The following is an entry in ClinVar:

NM_000051.4(ATM):c.1719G>C (p.Lys573Asn)

Gene: ATM (ATM serine/threonine kinase; plus strand). Cytogenetic location: 11q22.3.
Variant type: single nucleotide variant.
Coding change: c.1719G>C on transcript NM_000051.4 (MANE Select); coding-DNA position 1719, G replaced by C.
Protein change: p.Lys573Asn; replaces lysine 573 with asparagine.
Molecular consequence: missense variant.
Genome position (GRCh38, 1-based): chr11:108,251,948, G>C. VCF-style: chr11-108251948-G-C. GRCh37 (hg19) VCF-style: chr11-108122675-G-C.
Other names: c.1719G>C, p.Lys573Asn (NM_001351834.2); short protein forms K573N.
Identifiers: ClinVar variation 4747178 (VCV004747178.1).

ClinVar aggregate classification (germline): Uncertain significance (1 of 4 stars; one submission).

Conditions:
Ataxia-telangiectasia syndrome (AT). Also called: Ataxia-telangiectasia, complementation group D; AT, COMPLEMENTATION GROUP C; Ataxia-telangiectasia; Ataxia telangiectasia (A-T); LOUIS-BAR SYNDROME; Cerebello-oculocutaneous telangiectasia. Identifiers: Orphanet 100, MedGen C0004135, MONDO:0008840, OMIM 208900.

Submission:

Labcorp Genetics (formerly Invitae), Labcorp
Classification: Uncertain significance for Ataxia-telangiectasia syndrome. Last evaluated: 2025-07-25. Review status: criteria provided, single submitter. Criteria: Invitae Variant Classification Sherloc (09022015). Collection method: clinical testing. Allele origin: germline.
Comment: This sequence change replaces lysine, which is basic and polar, with asparagine, which is neutral and polar, at codon 573 of the ATM protein (p.Lys573Asn). This variant is not present in population databases (gnomAD no frequency). This variant has not been reported in the literature in individuals affected with ATM-related conditions. Invitae Evidence Modeling of protein sequence and biophysical properties (such as structural, functional, and spatial information, amino acid conservation, physicochemical variation, residue mobility, and thermodynamic stability) indicates that this missense variant is not expected to disrupt ATM protein function with a negative predictive value of 95%. In summary, the available evidence is currently insufficient to determine the role of this variant in disease. Therefore, it has been classified as a Variant of Uncertain Significance.